The following is an entry in ClinVar:

NM_000234.3(LIG1):c.1225C>T (p.Arg409Cys)

Gene: LIG1 (DNA ligase 1; minus strand). Cytogenetic location: 19q13.33.
Variant type: single nucleotide variant.
Coding change: c.1225C>T on transcript NM_000234.3 (MANE Select); coding-DNA position 1225, C replaced by T.
Protein change: p.Arg409Cys; replaces arginine 409 with cysteine.
Molecular consequence: missense variant. On other transcripts: non-coding transcript variant (6).
Genome position (GRCh38, 1-based): chr19:48,137,551, G>A on the plus strand (C>T on the coding strand, the complement: LIG1 is on the minus strand). VCF-style: chr19-48137551-G-A. GRCh37 (hg19) VCF-style: chr19-48640808-G-A.
Other names: c.1225C>T (NM_000234.1); c.1132C>T, p.Arg378Cys (NM_001289063.2); c.1021C>T, p.Arg341Cys (NM_001289064.2); c.1222C>T, p.Arg408Cys (NM_001320970.2); c.1135C>T, p.Arg379Cys (NM_001320971.2); short protein forms R341C, R408C, R409C, R378C, R379C.
Identifiers: ClinVar variation 1449261 (VCV001449261.8), dbSNP rs201504571, ClinGen allele CA9546917.

ClinVar aggregate classification (germline): Conflicting classifications of pathogenicity. Review status: criteria provided, conflicting classifications (1 of 4 stars). 3 submissions from 3 submitters: Uncertain significance (2); Likely benign (1). Last evaluated 2025-11-26.

Allele frequency attached by ClinVar (database versions not stated): gnomAD 0.00003; TOPMed 0.00004; gnomAD exomes 0.00007; ExAC 0.00008.
gnomAD v4.1: 86 of 1,613,224 alleles (0.0053%); highest among the groups gnomAD compares: Admixed American, 0.018%; no homozygotes.

Submissions (3):

Ambry Genetics
Classification: Uncertain significance. Last evaluated: 2025-11-26. Review status: criteria provided, single submitter. Criteria: Ambry Variant Classification Scheme 2023. Collection method: clinical testing. Allele origin: germline.

Blueprint Genetics
Classification: Likely benign. Last evaluated: 2024-10-17. Review status: criteria provided, single submitter. Criteria: ACMG Guidelines, 2015. Collection method: clinical testing. Allele origin: germline.

Labcorp Genetics (formerly Invitae), Labcorp
Classification: Uncertain significance. Last evaluated: 2022-03-29. Review status: criteria provided, single submitter. Criteria: Invitae Variant Classification Sherloc (09022015). Collection method: clinical testing. Allele origin: germline.
Comment: This sequence change replaces arginine, which is basic and polar, with cysteine, which is neutral and slightly polar, at codon 409 of the LIG1 protein (p.Arg409Cys). This variant is present in population databases (rs201504571, gnomAD 0.03%). This variant has not been reported in the literature in individuals affected with LIG1-related conditions. Algorithms developed to predict the effect of missense changes on protein structure and function output the following: SIFT: "Tolerated"; PolyPhen-2: "Benign"; Align-GVGD: "Class C0". The cysteine amino acid residue is found in multiple mammalian species, which suggests that this missense change does not adversely affect protein function. In summary, the available evidence is currently insufficient to determine the role of this variant in disease. Therefore, it has been classified as a Variant of Uncertain Significance.